The following is an entry in ClinVar:

NM_052859.4(RFT1):c.1516G>A (p.Ala506Thr)

Gene: RFT1 (RFT1 glycolipid translocator homolog; minus strand). Cytogenetic location: 3p21.1.
Variant type: single nucleotide variant.
Coding change: c.1516G>A on transcript NM_052859.4 (MANE Select); coding-DNA position 1516, G replaced by A.
Protein change: p.Ala506Thr; replaces alanine 506 with threonine.
Molecular consequence: missense variant.
Genome position (GRCh38, 1-based): chr3:53,092,013, C>T on the plus strand (G>A on the coding strand, the complement: RFT1 is on the minus strand). VCF-style: chr3-53092013-C-T. GRCh37 (hg19) VCF-style: chr3-53126029-C-T.
Other names: short protein forms A506T.
Identifiers: ClinVar variation 1496008 (VCV001496008.5), dbSNP rs1701003868, ClinGen allele CA353226034.

ClinVar aggregate classification (germline): Uncertain significance (1 of 4 stars; one submission).

Conditions:
RFT1-congenital disorder of glycosylation (CDG1N). Also called: Congenital disorder of glycosylation type In; CDG In; RFT1-CDG. Identifiers: Orphanet 244310, MedGen C2677590, MONDO:0012783, OMIM 612015.

Allele frequency attached by ClinVar (database versions not stated): TOPMed below 0.00001; gnomAD exomes 0.00001.
gnomAD v4.1: 17 of 1,614,242 alleles (0.0011%); highest among the groups gnomAD compares: Non-Finnish European, 0.0014%; no homozygotes.

Submission:

Labcorp Genetics (formerly Invitae), Labcorp
Classification: Uncertain significance for RFT1-congenital disorder of glycosylation. Last evaluated: 2021-08-25. Review status: criteria provided, single submitter. Criteria: Invitae Variant Classification Sherloc (09022015). Collection method: clinical testing. Allele origin: germline.
Comment: This sequence change replaces alanine with threonine at codon 506 of the RFT1 protein (p.Ala506Thr). The alanine residue is moderately conserved and there is a small physicochemical difference between alanine and threonine. This variant is not present in population databases (ExAC no frequency). This variant has not been reported in the literature in individuals affected with RFT1-related conditions. Algorithms developed to predict the effect of missense changes on protein structure and function output the following: SIFT: "Tolerated"; PolyPhen-2: "Benign"; Align-GVGD: "Class C0". The threonine amino acid residue is found in multiple mammalian species, which suggests that this missense change does not adversely affect protein function. In summary, the available evidence is currently insufficient to determine the role of this variant in disease. Therefore, it has been classified as a Variant of Uncertain Significance.